The following is an entry in ClinVar:

ClinVar aggregate classification (germline): Uncertain significance (1 of 4 stars; one submission).

Submission:

Labcorp Genetics (formerly Invitae), Labcorp
Classification: Uncertain significance. Last evaluated: 2023-02-06. Review status: criteria provided, single submitter. Criteria: Invitae Variant Classification Sherloc (09022015). Collection method: clinical testing. Allele origin: germline.
Comment: This variant results in the deletion of part of exon 20 of the ARID1B gene. It affects a nucleotide within the consensus splice site. This variant is not present in population databases (gnomAD no frequency). This variant has not been reported in the literature in individuals affected with ARID1B-related conditions. Variants that disrupt the consensus splice site are a relatively common cause of aberrant splicing (PMID: 17576681, 9536098). Algorithms developed to predict the effect of sequence changes on RNA splicing suggest that this variant may disrupt the consensus splice site. In summary, the available evidence is currently insufficient to determine the role of this variant in disease. Therefore, it has been classified as a Variant of Uncertain Significance.

Literature cited by the submitters: PubMed 17576681; PubMed 9536098.

NM_001374828.1(ARID1B):c.5395-2_5395del

Gene: ARID1B (AT-rich interaction domain 1B; plus strand). Cytogenetic location: 6q25.3.
Variant type: Deletion.
Coding change: c.5395-2_5395del on transcript NM_001374828.1 (MANE Select); the canonical splice acceptor site of the intron before coding-DNA position 5395 through coding-DNA position 5395, 3 bases deleted (AGT; older notation c.5395-2_5395delAGT).
Molecular consequence: splice acceptor variant.
Genome position (GRCh38, 1-based): chr6:157,206,165-157,206,167, AGT deleted. VCF-style (leftmost placement, unchanged base first): chr6-157206164-CAGT-C. GRCh37 (hg19) VCF-style: chr6-157527298-CAGT-C.
Other names: c.5275-2_5275del (NM_001371656.1, NM_001374820.1); c.5236-2_5236del (NM_017519.3); c.2896-2_2896del (NM_001363725.2).
Identifiers: ClinVar variation 2835086 (VCV002835086.3), dbSNP rs2538754603, ClinGen allele CA2739266210.